The following is an entry in ClinVar:

NM_001903.5(CTNNA1):c.1609G>A (p.Gly537Ser)

Gene: CTNNA1 (catenin alpha 1; plus strand). Cytogenetic location: 5q31.2.
Variant type: single nucleotide variant.
Coding change: c.1609G>A on transcript NM_001903.5 (MANE Select); coding-DNA position 1609, G replaced by A.
Protein change: p.Gly537Ser; replaces glycine 537 with serine.
Molecular consequence: missense variant.
Genome position (GRCh38, 1-based): chr5:138,924,572, G>A. VCF-style: chr5-138924572-G-A. GRCh37 (hg19) VCF-style: chr5-138260261-G-A.
Other names: c.499G>A, p.Gly167Ser (NM_001324005.1, NM_001323995.1, NM_001323996.1 and 17 more transcripts); c.160G>A, p.Gly54Ser (NM_001324006.1, NM_001324007.1, NM_001324008.1 and 2 more transcripts); c.406G>A, p.Gly136Ser (NM_001324011.1); c.256G>A, p.Gly86Ser (NM_001324012.1, NM_001324013.1); c.1609G>A, p.Gly537Ser (NM_001290307.3, NM_001323982.2, NM_001323983.1 and 2 more transcripts); c.1300G>A, p.Gly434Ser (NM_001290309.3); c.1240G>A, p.Gly414Ser (NM_001290310.3); c.1516G>A, p.Gly506Ser (NM_001323986.2); short protein forms G136S, G167S, G434S, G54S, G414S, G506S, G537S, G86S.
Identifiers: ClinVar variation 4235639 (VCV004235639.1).

ClinVar aggregate classification (germline): Uncertain significance (1 of 4 stars; one submission).

Conditions:
Hereditary cancer-predisposing syndrome. Also called: Hereditary Cancer Syndrome; Hereditary neoplastic syndrome; Neoplastic Syndromes, Hereditary; Tumor predisposition. Identifiers: Orphanet 140162, MedGen C0027672, MeSH D009386, MONDO:0015356.

Submission:

Ambry Genetics
Classification: Uncertain significance for Hereditary cancer-predisposing syndrome. Last evaluated: 2025-07-18. Review status: criteria provided, single submitter. Criteria: Ambry Variant Classification Scheme 2023. Collection method: clinical testing. Allele origin: germline.
Comment: The p.G537S variant (also known as c.1609G>A), located in coding exon 11 of the CTNNA1 gene, results from a G to A substitution at nucleotide position 1609. The glycine at codon 537 is replaced by serine, an amino acid with similar properties. This amino acid position is conserved. In addition, the in silico prediction for this alteration is inconclusive. Based on the available evidence, the clinical significance of this variant remains unclear.